The following is an entry in ClinVar:

NM_001278512.2(AP3B2):c.2651G>A (p.Arg884Gln)

Genes: AP3B2 (adaptor related protein complex 3 subunit beta 2; minus strand), CPEB1-AS1 (CPEB1 antisense RNA 1; plus strand). Cytogenetic location: 15q25.2.
Variant type: single nucleotide variant.
Coding change: c.2651G>A on transcript NM_001278512.2 (MANE Select); coding-DNA position 2651, G replaced by A.
Protein change: p.Arg884Gln; replaces arginine 884 with glutamine.
Molecular consequence: missense variant.
Genome position (GRCh38, 1-based): chr15:82,662,876, C>T on the plus strand (G>A on the coding strand, the complement: AP3B2 is on the minus strand). VCF-style: chr15-82662876-C-T. GRCh37 (hg19) VCF-style: chr15-83331628-C-T.
Other names: c.2498G>A, p.Arg833Gln (NM_001278511.2); c.2594G>A, p.Arg865Gln (NM_004644.5); c.2594G>A (NM_004644.3); short protein forms R833Q, R865Q, R884Q.
Identifiers: ClinVar variation 2196783 (VCV002196783.2), dbSNP rs561595786, ClinGen allele CA7699825.
Genomic context (GRCh38, chr15:82,662,876, plus strand): 5'-TCCCCGGAGAAAGGTTGGCGGCTGAAGGTGTAGTCCACAGCCAGCCCCTCGCCAGCTACC[C>T]GGTGCAGCAGCTCCTGCCGCCCAACACCCGATACTGGACTCAGAAGCTAGAGTGGAGGGG-3'
Protein context (NP_001265441.1, residues 874-894): SGVGRQELLH[Arg884Gln]VAGEGLAVDY

ClinVar aggregate classification (germline): Uncertain significance. Review status: criteria provided, multiple submitters, no conflicts (2 of 4 stars). 2 submissions from 2 submitters: Uncertain significance (2). Last evaluated 2022-08-09.

Conditions:
Inborn genetic diseases. Identifiers: MedGen C0950123, MeSH D030342.

Allele frequency attached by ClinVar (database versions not stated): ExAC 0.00013; TOPMed 0.00013; gnomAD 0.00014; 1000 Genomes Project 30x 0.00016; 1000 Genomes Project 0.00020.
gnomAD v4.1: 128 of 1,613,534 alleles (0.0079%); highest among the groups gnomAD compares: Middle Eastern, 0.13%; no homozygotes.

Submissions (2):

Labcorp Genetics (formerly Invitae), Labcorp
Classification: Uncertain significance. Last evaluated: 2022-08-09. Review status: criteria provided, single submitter. Criteria: Invitae Variant Classification Sherloc (09022015). Collection method: clinical testing. Allele origin: germline.
Comment: This sequence change replaces arginine, which is basic and polar, with glutamine, which is neutral and polar, at codon 865 of the AP3B2 protein (p.Arg865Gln). This variant is present in population databases (rs561595786, gnomAD 0.03%). This variant has not been reported in the literature in individuals affected with AP3B2-related conditions. Algorithms developed to predict the effect of missense changes on protein structure and function output the following: SIFT: "Tolerated"; PolyPhen-2: "Benign"; Align-GVGD: "Class C0". The glutamine amino acid residue is found in multiple mammalian species, which suggests that this missense change does not adversely affect protein function. In summary, the available evidence is currently insufficient to determine the role of this variant in disease. Therefore, it has been classified as a Variant of Uncertain Significance.

Ambry Genetics
Classification: Uncertain significance for Inborn genetic diseases. Last evaluated: 2021-06-11. Review status: criteria provided, single submitter. Criteria: Ambry Variant Classification Scheme 2023. Collection method: clinical testing. Allele origin: germline.